The following is an entry in ClinVar:

GRCh38/hg38 8q23.1(chr8:107173197-107614600)x1

Genes: ANGPT1 (angiopoietin 1; minus strand), LOC129390037 (MPRA-validated peak7142 silencer; plus strand), LOC129390038 (MPRA-validated peak7143 silencer; plus strand), LOC129390039 (MPRA-validated peak7144 silencer; plus strand). Cytogenetic location: 8q23.1.
Variant type: copy number loss.
Change: copy number 1 (one copy instead of two) of chr8:107,173,197-107,614,600 (441.4 kb, GRCh38 coordinates, 1-based), cytogenetic band 8q23.1.
Identifiers: ClinVar variation 4974748 (VCV004974748.1).

ClinVar aggregate classification (germline): Uncertain significance (1 of 4 stars; one submission).

Submission:

Clinical Genomics Laboratory, Laboratory for Precision Diagnostics, University of Washington
Classification: Uncertain significance. Last evaluated: 2024-05-17. Review status: criteria provided, single submitter. Criteria: ACMG/ClinGen CNV Guidelines, 2019. Collection method: clinical testing. Allele origin: unknown. Affected: yes. Observed: 1 variant allele.
Comment: This interstitial deletion is approximately 441 kb in size. It contains only the entirety of ANGPT1, which may be associated with hereditary angioedema; a heterozygous missense variant with functional studies consistent with haploinsufficiency segregated with this condition in a single 3-generation Italian family. No similar deletions appear in the Database of Genomic Variants or in gnomAD, although a smaller exonic deletion of ANGPT1 does appear in the latter at a frequency of 0.01%. No similar deletions appear in DECIPHER. ClinVar variant 400109 has slightly different breakpoints but still affects multiple exons of ANGPT1. It was found in a person with global developmental delay and classified as of uncertain significance. Thus the clinical significance of this deletion is uncertain.